The following is an entry in ClinVar:

NM_006767.4(LZTR1):c.523A>G (p.Arg175Gly)

Gene: LZTR1 (leucine zipper like post translational regulator 1; plus strand). Cytogenetic location: 22q11.21.
Variant type: single nucleotide variant.
Coding change: c.523A>G on transcript NM_006767.4 (MANE Select); coding-DNA position 523, A replaced by G.
Protein change: p.Arg175Gly; replaces arginine 175 with glycine.
Molecular consequence: missense variant.
Genome position (GRCh38, 1-based): chr22:20,988,802, A>G. VCF-style: chr22-20988802-A-G. GRCh37 (hg19) VCF-style: chr22-21343091-A-G.
Other names: short protein forms R175G.
Identifiers: ClinVar variation 1746273 (VCV001746273.2), dbSNP rs2518614052, ClinGen allele CA410780099.

ClinVar aggregate classification (germline): Uncertain significance (1 of 4 stars; one submission).

Conditions:
Cardiovascular phenotype. Identifiers: MedGen CN230736.
Hereditary cancer-predisposing syndrome. Also called: Hereditary Cancer Syndrome; Neoplastic Syndromes, Hereditary; Tumor predisposition; Hereditary neoplastic syndrome. Identifiers: Orphanet 140162, MedGen C0027672, MeSH D009386, MONDO:0015356.

Submission:

Ambry Genetics
Classification: Uncertain significance for Cardiovascular phenotype; Hereditary cancer-predisposing syndrome. Last evaluated: 2021-12-21. Review status: criteria provided, single submitter. Criteria: Ambry Variant Classification Scheme 2023. Collection method: clinical testing. Allele origin: germline.
Comment: The p.R175G variant (also known as c.523A>G), located in coding exon 6 of the LZTR1 gene, results from an A to G substitution at nucleotide position 523. The arginine at codon 175 is replaced by glycine, an amino acid with dissimilar properties. This amino acid position is highly conserved in available vertebrate species. In addition, this alteration is predicted to be deleterious by in silico analysis. Since supporting evidence is limited at this time, the clinical significance of this alteration remains unclear.